The following is an entry in ClinVar:

NM_138694.4(PKHD1):c.1694-1G>A

Gene: PKHD1 (PKHD1 ciliary IPT domain containing fibrocystin/polyductin; minus strand). Cytogenetic location: 6p12.2.
Variant type: single nucleotide variant.
Coding change: c.1694-1G>A on transcript NM_138694.4 (MANE Select); the canonical splice acceptor site of the intron before coding-DNA position 1694, G replaced by A.
Molecular consequence: splice acceptor variant.
Genome position (GRCh38, 1-based): chr6:52,055,730, C>T on the plus strand (G>A on the coding strand, the complement: PKHD1 is on the minus strand). VCF-style: chr6-52055730-C-T. GRCh37 (hg19) VCF-style: chr6-51920528-C-T.
Other names: c.1694-1G>A (NM_170724.3).
Identifiers: ClinVar variation 96380 (VCV000096380.7), dbSNP rs398124477, ClinGen allele CA224055.

ClinVar aggregate classification (germline): Pathogenic/Likely pathogenic. Review status: criteria provided, multiple submitters, no conflicts (2 of 4 stars). 2 submissions from 2 submitters: Pathogenic (1); Likely pathogenic (1). Last evaluated 2025-08-01.

Conditions:
Autosomal recessive polycystic kidney disease (ARPKD). Also called: AR polycystic kidney disease. Identifiers: Orphanet 731, Orphanet 8378, MedGen C0085548, MeSH D017044, MONDO:0009889.

Submissions (2):

Natera, Inc.
Classification: Likely pathogenic for Autosomal recessive polycystic kidney disease. Last evaluated: 2025-08-01. Review status: criteria provided, single submitter. Criteria: Natera Variant Classification Schema (03/2026). Collection method: clinical testing. Allele origin: germline.
Comment: The c.1694-1G>A variant in PKHD1 is a canonical splice acceptor site variant predicted to affect pre-mRNA splicing, which may result in an abnormal transcript and altered protein product. This variant is expected to result in nonsense mediated decay, truncation, or a dysfunctional protein product. This variant is rare in the general population with a frequency below the threshold expected for the associated phenotype(s). Given the available evidence, this variant is classified as Likely Pathogenic.

Eurofins Ntd Llc (ga)
Classification: Pathogenic. Last evaluated: 2013-03-26. Review status: criteria provided, single submitter. Criteria: EGL Classification Definitions. Collection method: clinical testing. Allele origin: germline. Observed: 1 variant allele, 1 heterozygote.